The following is an entry in ClinVar:

ClinVar aggregate classification (germline): Uncertain significance (1 of 4 stars; one submission).

Allele frequency attached by ClinVar (database versions not stated): TOPMed 0.00001; gnomAD exomes 0.00002; gnomAD 0.00003.
gnomAD v4.1: 34 of 1,585,994 alleles (0.0021%); highest among the groups gnomAD compares: East Asian, 0.007%; no homozygotes.

Submission:

Labcorp Genetics (formerly Invitae), Labcorp
Classification: Uncertain significance. Last evaluated: 2022-03-09. Review status: criteria provided, single submitter. Criteria: Invitae Variant Classification Sherloc (09022015). Collection method: clinical testing. Allele origin: germline.
Comment: This sequence change replaces serine, which is neutral and polar, with alanine, which is neutral and non-polar, at codon 2048 of the CACNA1B protein (p.Ser2048Ala). This variant is present in population databases (no rsID available, gnomAD 0.003%). This variant has not been reported in the literature in individuals affected with CACNA1B-related conditions. Advanced modeling of protein sequence and biophysical properties (such as structural, functional, and spatial information, amino acid conservation, physicochemical variation, residue mobility, and thermodynamic stability) performed at Invitae indicates that this missense variant is not expected to disrupt CACNA1B protein function. In summary, the available evidence is currently insufficient to determine the role of this variant in disease. Therefore, it has been classified as a Variant of Uncertain Significance.

NM_000718.4(CACNA1B):c.6142T>G (p.Ser2048Ala)

Gene: CACNA1B (calcium voltage-gated channel subunit alpha1 B; plus strand). Cytogenetic location: 9q34.3.
Variant type: single nucleotide variant.
Coding change: c.6142T>G on transcript NM_000718.4 (MANE Select); coding-DNA position 6142, T replaced by G.
Protein change: p.Ser2048Ala; replaces serine 2048 with alanine.
Molecular consequence: missense variant.
Genome position (GRCh38, 1-based): chr9:138,120,276, T>G. VCF-style: chr9-138120276-T-G. GRCh37 (hg19) VCF-style: chr9-141014728-T-G.
Other names: c.6142T>G, p.Ser2048Ala (NM_001243812.2); short protein forms S2048A.
Identifiers: ClinVar variation 1901644 (VCV001901644.2), dbSNP rs1265065928, ClinGen allele CA375822151.